The following is an entry in ClinVar:

ClinVar aggregate classification (germline): Conflicting classifications of pathogenicity. Review status: criteria provided, conflicting classifications (1 of 4 stars). 3 submissions from 3 submitters: Uncertain significance (2); Likely benign (1). Last evaluated 2025-12-01.

Conditions:
Inborn genetic diseases. Identifiers: MedGen C0950123, MeSH D030342.
Psoriasis 2. Identifiers: MedGen C1864497, MONDO:0011269, OMIM 602723.
Pityriasis rubra pilaris (PRP). Also called: Pityriasis rubra pilaris--familial type. Identifiers: Orphanet 2897, MedGen C0032027, MONDO:0100017, OMIM 173200, MONDO:0008251.

Allele frequency attached by ClinVar (database versions not stated): gnomAD exomes 0.00005; gnomAD 0.00009 and 0.00010; TOPMed 0.00013; ExAC 0.00015; ESP Exome Variant Server 0.00015; 1000 Genomes Project 30x 0.00016; 1000 Genomes Project 0.00020.
gnomAD v4.1: 53 of 1,594,324 alleles (0.0033%); highest among the groups gnomAD compares: African/African-American, 0.029%; no homozygotes.

Submissions (3):

Labcorp Genetics (formerly Invitae), Labcorp
Classification: Uncertain significance for Pityriasis rubra pilaris; Psoriasis 2. Last evaluated: 2025-12-01. Review status: criteria provided, single submitter. Criteria: Invitae Variant Classification Sherloc (09022015). Collection method: clinical testing. Allele origin: germline.
Comment: This sequence change replaces arginine, which is basic and polar, with histidine, which is basic and polar, at codon 760 of the CARD14 protein (p.Arg760His). The frequency data for this variant in the population databases is considered unreliable, as metrics indicate poor data quality at this position in the gnomAD database. This variant has not been reported in the literature in individuals affected with CARD14-related conditions. ClinVar contains an entry for this variant (Variation ID: 569055). Invitae Evidence Modeling of protein sequence and biophysical properties (such as structural, functional, and spatial information, amino acid conservation, physicochemical variation, residue mobility, and thermodynamic stability) indicates that this missense variant is not expected to disrupt CARD14 protein function with a negative predictive value of 95%. In summary, the available evidence is currently insufficient to determine the role of this variant in disease. Therefore, it has been classified as a Variant of Uncertain Significance.

Ambry Genetics
Classification: Uncertain significance for Inborn genetic diseases. Last evaluated: 2025-06-07. Review status: criteria provided, single submitter. Criteria: Ambry Variant Classification Scheme 2023. Collection method: clinical testing. Allele origin: germline.

CeGaT Center for Human Genetics Tuebingen
Classification: Likely benign. Last evaluated: 2022-07-01. Review status: criteria provided, single submitter. Criteria: CeGaT Center For Human Genetics Tuebingen Variant Classification Criteria Version 2. Collection method: clinical testing. Allele origin: germline. Affected: yes. Observed: 1 variant allele.
Comment: CARD14: BP4, BS2

NM_001366385.1(CARD14):c.2279G>A (p.Arg760His)

Genes: CARD14 (caspase recruitment domain family member 14; plus strand), SGSH (N-sulfoglucosamine sulfohydrolase; minus strand). Cytogenetic location: 17q25.3.
Variant type: single nucleotide variant.
Coding change: c.2279G>A on transcript NM_001366385.1 (MANE Select); coding-DNA position 2279, G replaced by A.
Protein change: p.Arg760His; replaces arginine 760 with histidine.
Molecular consequence: missense variant. On other transcripts: non-coding transcript variant (1).
Genome position (GRCh38, 1-based): chr17:80,203,881, G>A. VCF-style: chr17-80203881-G-A. GRCh37 (hg19) VCF-style: chr17-78177680-G-A.
Other names: c.2279G>A (NM_024110.3); c.2279G>A, p.Arg760His (NM_024110.4); short protein forms R760H.
Identifiers: ClinVar variation 569055 (VCV000569055.36), dbSNP rs143600438, ClinGen allele CA8817251.
Genomic context (GRCh38, chr17:80,203,881, plus strand): 5'-GGGCTCAGCAGCAGCTCATAGCCCTCATCCAGGACATGACTCAGCAGTGCACCGTGACCC[G>A]CAAGGTGAGGCTCCAGGGAGGGGCCTGGACCCCACTGGGGTGGGCTGGAAGAGGGGCTCG-3'
Protein context (NP_001353314.1, residues 750-770): QDMTQQCTVT[Arg760His]KPSSGGPQKL